The following is an entry in ClinVar:

NM_000143.4(FH):c.677C>A (p.Ala226Glu)

Gene: FH (fumarate hydratase; minus strand). Cytogenetic location: 1q43.
Variant type: single nucleotide variant.
Coding change: c.677C>A on transcript NM_000143.4 (MANE Select); coding-DNA position 677, C replaced by A.
Protein change: p.Ala226Glu; replaces alanine 226 with glutamic acid.
Molecular consequence: missense variant.
Genome position (GRCh38, 1-based): chr1:241,508,664, G>T on the plus strand (C>A on the coding strand, the complement: FH is on the minus strand). VCF-style: chr1-241508664-G-T. GRCh37 (hg19) VCF-style: chr1-241671964-G-T.
Other names: short protein forms A226E.
Identifiers: ClinVar variation 662617 (VCV000662617.14), dbSNP rs778786425, ClinGen allele CA1478635.

ClinVar aggregate classification (germline): Uncertain significance. Review status: criteria provided, multiple submitters, no conflicts (2 of 4 stars). 3 submissions from 3 submitters: Uncertain significance (3). Last evaluated 2025-11-12.

Conditions:
Hereditary cancer-predisposing syndrome. Also called: Neoplastic Syndromes, Hereditary; Tumor predisposition; Hereditary neoplastic syndrome; Hereditary Cancer Syndrome. Identifiers: Orphanet 140162, MedGen C0027672, MeSH D009386, MONDO:0015356.

Allele frequency attached by ClinVar (database versions not stated): gnomAD exomes below 0.00001; ExAC 0.00001.
gnomAD v4.1: 5 of 1,613,656 alleles (0.00031%); highest among the groups gnomAD compares: Non-Finnish European, 0.00042%; no homozygotes.

Submissions (3):

Labcorp Genetics (formerly Invitae), Labcorp
Classification: Uncertain significance. Last evaluated: 2025-11-12. Review status: criteria provided, single submitter. Criteria: Invitae Variant Classification Sherloc (09022015). Collection method: clinical testing. Allele origin: germline.
Comment: This sequence change replaces alanine, which is neutral and non-polar, with glutamic acid, which is acidic and polar, at codon 226 of the FH protein (p.Ala226Glu). This variant is present in population databases (rs778786425, gnomAD 0.0009%). This variant has not been reported in the literature in individuals affected with FH-related conditions. ClinVar contains an entry for this variant (Variation ID: 662617). Invitae Evidence Modeling of protein sequence and biophysical properties (such as structural, functional, and spatial information, amino acid conservation, physicochemical variation, residue mobility, and thermodynamic stability) indicates that this missense variant is not expected to disrupt FH protein function with a negative predictive value of 95%. In summary, the available evidence is currently insufficient to determine the role of this variant in disease. Therefore, it has been classified as a Variant of Uncertain Significance.

Ambry Genetics
Classification: Uncertain significance for Hereditary cancer-predisposing syndrome. Last evaluated: 2025-05-29. Review status: criteria provided, single submitter. Criteria: Ambry Variant Classification Scheme 2023. Collection method: clinical testing. Allele origin: germline.
Comment: The p.A226E variant (also known as c.677C>A), located in coding exon 5 of the FH gene, results from a C to A substitution at nucleotide position 677. The alanine at codon 226 is replaced by glutamic acid, an amino acid with dissimilar properties. This amino acid position is not well conserved in available vertebrate species. In addition, the in silico prediction for this alteration is inconclusive. Based on the available evidence, the clinical significance of this variant remains unclear.

GeneDx
Classification: Uncertain significance. Last evaluated: 2023-09-06. Review status: criteria provided, single submitter. Criteria: GeneDx Variant Classification Process June 2021. Collection method: clinical testing. Allele origin: germline. Affected: yes.
Comment: Not observed at significant frequency in large population cohorts (gnomAD); In silico analysis supports that this missense variant does not alter protein structure/function; Has not been previously published as pathogenic or benign to our knowledge